The following is an entry in ClinVar:

ClinVar aggregate classification (germline): Uncertain significance (1 of 4 stars; one submission).

Conditions:
TRIM23-related disorder. Also called: TRIM23-related condition.

Submission:

PreventionGenetics, part of Exact Sciences
Classification: Uncertain significance for TRIM23-related condition. Last evaluated: 2025-05-10. Review status: criteria provided, single submitter. Criteria: ACMG Guidelines, 2015. Collection method: clinical testing. Allele origin: germline.
Comment: The TRIM23 c.1564T>C variant is predicted to result in the amino acid substitution p.Ser522Pro. To our knowledge, this variant has not been reported in the literature or in a large population database (gnomAD), indicating this variant is rare. At this time, the clinical significance of this variant is uncertain due to the absence of conclusive functional and genetic evidence.

NM_001656.4(TRIM23):c.1564T>C (p.Ser522Pro)

Gene: TRIM23 (tripartite motif containing 23; minus strand). Cytogenetic location: 5q12.3.
Variant type: single nucleotide variant.
Coding change: c.1564T>C on transcript NM_001656.4 (MANE Select); coding-DNA position 1564, T replaced by C.
Protein change: p.Ser522Pro; replaces serine 522 with proline.
Molecular consequence: missense variant.
Genome position (GRCh38, 1-based): chr5:65,591,930, A>G on the plus strand (T>C on the coding strand, the complement: TRIM23 is on the minus strand). VCF-style: chr5-65591930-A-G. GRCh37 (hg19) VCF-style: chr5-64887757-A-G.
Other names: c.1564T>C, p.Ser522Pro (NM_033227.3, NM_033228.3); short protein forms S522P.
Identifiers: ClinVar variation 5002343 (VCV005002343.1).
Genomic context (GRCh38, chr5:65,591,930, plus strand): 5'-ACCAGCTACGGCCACAGCATAATTTATGGAGACTGAGTAGTTCAGTGATTTCTTCTACTG[A>G]CAGTGCTCCAGCAACATCCTGAAAGATATATACACATATTTTTTATCAGTCCATCCAAAT-3'
Protein context (NP_001647.1, residues 512-532): ANKQDVAGAL[Ser522Pro]VEEITELLSL